The following is an entry in ClinVar:

NM_007294.4(BRCA1):c.1930T>A (p.Cys644Ser)

Gene: BRCA1 (BRCA1 DNA repair associated; minus strand). Cytogenetic location: 17q21.31.
Variant type: single nucleotide variant.
Coding change: c.1930T>A on transcript NM_007294.4 (MANE Select); coding-DNA position 1930, T replaced by A.
Protein change: p.Cys644Ser; replaces cysteine 644 with serine.
Molecular consequence: missense variant. On other transcripts: intron variant (137).
Genome position (GRCh38, 1-based): chr17:43,093,601, A>T on the plus strand (T>A on the coding strand, the complement: BRCA1 is on the minus strand). VCF-style: chr17-43093601-A-T. GRCh37 (hg19) VCF-style: chr17-41245618-A-T.
Other names: c.1930T>A, p.Cys644Ser (NM_001407617.1, NM_001407618.1, NM_001407619.1 and 30 more transcripts); c.1927T>A, p.Cys643Ser (NM_001407634.1, NM_001407635.1, NM_001407636.1 and 22 more transcripts); c.1852T>A, p.Cys618Ser (NM_001407656.1, NM_001407657.1, NM_001407658.1 and 4 more transcripts); c.1849T>A, p.Cys617Ser (NM_001407659.1, NM_001407660.1, NM_001407661.1 and 1 more transcripts); c.1807T>A, p.Cys603Ser (NM_001407664.1, NM_001407665.1, NM_001407675.1 and 19 more transcripts); c.1789T>A, p.Cys597Ser (NM_001407695.1, NM_001407696.1, NM_001407697.1 and 29 more transcripts); c.1786T>A, p.Cys596Ser (NM_001407740.1, NM_001407741.1, NM_001407742.1 and 20 more transcripts); c.1717T>A, p.Cys573Ser (NM_001407853.1, NM_001407894.1, NM_001407895.1 and 9 more transcripts); and 40 more; short protein forms C644S, C597S, C574S, C577S, C476S, C517S, C556S, C576S.
Identifiers: ClinVar variation 409347 (VCV000409347.26), dbSNP rs753521391, ClinGen allele CA057641.

ClinVar aggregate classification (germline): Conflicting classifications of pathogenicity. Review status: criteria provided, conflicting classifications (1 of 4 stars). 6 submissions from 6 submitters: Uncertain significance (4); Likely benign (2). Last evaluated 2025-07-21.

Conditions:
Hereditary cancer-predisposing syndrome. Also called: Neoplastic Syndromes, Hereditary; Hereditary neoplastic syndrome; Hereditary Cancer Syndrome; Tumor predisposition. Identifiers: Orphanet 140162, MedGen C0027672, MeSH D009386, MONDO:0015356.
Breast-ovarian cancer, familial, susceptibility to, 1 (BROVCA1). Also called: BRCA1 Hereditary Breast and Ovarian Cancer; OVARIAN CANCER, SUSCEPTIBILITY TO. Identifiers: Orphanet 145, MedGen C2676676, MONDO:0011450, OMIM 604370. Disease mechanism: loss of function.
Hereditary breast ovarian cancer syndrome. Also called: Hereditary breast and ovarian cancer syndrome; Breast and ovarian cancer; Hereditary breast and ovarian cancer syndrome (HBOC); Hereditary breast and/or ovarian cancer syndrome; BRCA1- and BRCA2-Associated Hereditary Breast and Ovarian Cancer; Hereditary breast and ovarian cancer. Identifiers: Orphanet 145, MedGen C0677776, MeSH D061325, MONDO:0003582. Disease mechanism: loss of function.

Allele frequency attached by ClinVar (database versions not stated): gnomAD exomes below 0.00001 and 0.00001; ExAC 0.00001.
gnomAD v4.1: 8 of 1,614,044 alleles (0.0005%); highest among the groups gnomAD compares: East Asian, 0.018%; 1 homozygote.

Submissions (6):

Color Diagnostics, LLC DBA Color Health
Classification: Uncertain significance for Hereditary cancer-predisposing syndrome. Last evaluated: 2025-07-21. Review status: criteria provided, single submitter. Criteria: ACMG Guidelines, 2015. Collection method: clinical testing. Allele origin: germline.
Comment: This missense variant replaces cysteine with serine at codon 644 of the BRCA1 protein. Computational prediction is inconclusive regarding the impact of this variant on protein structure and function. To our knowledge, functional studies have not been reported for this variant. This variant has been reported in two individuals affected with breast and/or ovarian cancer (PMID: 19656164, 28111427). This variant has also been identified in 1/250856 chromosomes in the general population by the Genome Aggregation Database (gnomAD). The available evidence is insufficient to determine the role of this variant in disease conclusively. Therefore, this variant is classified as a Variant of Uncertain Significance.

Myriad Genetics, Inc.
Classification: Likely benign for Breast-ovarian cancer, familial, susceptibility to, 1. Last evaluated: 2025-04-30. Review status: criteria provided, single submitter. Criteria: Myriad Autosomal Dominant, Autosomal Recessive and X-Linked Classification Criteria (2023). Collection method: clinical testing. Allele origin: unknown.
Comment: This variant is considered likely benign. This variant been observed in trans with a known pathogenic variant in one or more individuals. Compound heterozygosity for pathogenic variants in this gene is generally assumed to result in embryonic lethality.

Labcorp Genetics (formerly Invitae), Labcorp
Classification: Uncertain significance for Hereditary breast ovarian cancer syndrome. Last evaluated: 2025-04-11. Review status: criteria provided, single submitter. Criteria: Invitae Variant Classification Sherloc (09022015). Collection method: clinical testing. Allele origin: germline.
Comment: This sequence change replaces cysteine, which is neutral and slightly polar, with serine, which is neutral and polar, at codon 644 of the BRCA1 protein (p.Cys644Ser). This variant is present in population databases (rs753521391, gnomAD 0.006%). This missense change has been observed in individual(s) with personal and/or family history of breast and/or ovarian cancer (PMID: 19656164, 28111427, 30287823). ClinVar contains an entry for this variant (Variation ID: 409347). Invitae Evidence Modeling of protein sequence and biophysical properties (such as structural, functional, and spatial information, amino acid conservation, physicochemical variation, residue mobility, and thermodynamic stability) indicates that this missense variant is not expected to disrupt BRCA1 protein function with a negative predictive value of 80%. In summary, the available evidence is currently insufficient to determine the role of this variant in disease. Therefore, it has been classified as a Variant of Uncertain Significance.

Ambry Genetics
Classification: Uncertain significance for Hereditary cancer-predisposing syndrome. Last evaluated: 2023-11-14. Review status: criteria provided, single submitter. Criteria: Ambry Variant Classification Scheme 2023. Collection method: clinical testing. Allele origin: germline.
Comment: The p.C644S variant (also known as c.1930T>A), located in coding exon 9 of the BRCA1 gene, results from a T to A substitution at nucleotide position 1930. The cysteine at codon 644 is replaced by serine, an amino acid with dissimilar properties. This alteration has been reported in 1/206 breast cancer cases and 0/171 controls in a Korean study (Seong MW et al. Clin. Genet., 2009 Aug;76:152-60) as well as in 3/7051 unselected breast cancer patients and 3/11241 controls in a Japanese study (Momozawa Y et al. Nat Commun, 2018 Oct;9:4083). This amino acid position is not well conserved in available vertebrate species. In addition, this alteration is predicted to be deleterious by in silico analysis. Since supporting evidence is limited at this time, the clinical significance of this alteration remains unclear.

University of Washington Department of Laboratory Medicine, University of Washington
Classification: Likely benign for Hereditary cancer-predisposing syndrome. Last evaluated: 2023-03-23. Review status: criteria provided, single submitter. Criteria: Dines et al. (Genet Med. 2020). Collection method: curation. Allele origin: germline.
Comment: Missense variant in a coldspot region where missense variants are very unlikely to be pathogenic (PMID:31911673).

BRCA1 coldspot (exon 11 using historical exon numbering). Reclassification based on statistical prior probability

Illumina Laboratory Services, Illumina
Classification: Uncertain significance for Breast-ovarian cancer, familial, susceptibility to, 1. Last evaluated: 2018-01-13. Review status: criteria provided, single submitter. Criteria: ICSL Variant Classification Criteria 13 December 2019. Collection method: clinical testing. Allele origin: germline.

Literature cited by the submitters: PubMed 19656164 (cited by 3 submitters); PubMed 28111427 (cited by Color Diagnostics, LLC DBA Color Health and Labcorp Genetics (formerly Invitae), Labcorp); PubMed 30287823 (cited by Labcorp Genetics (formerly Invitae), Labcorp and Ambry Genetics).